The following is an entry in ClinVar:

NM_000051.4(ATM):c.5529A>G (p.Pro1843=)

Gene: ATM (ATM serine/threonine kinase; plus strand). Cytogenetic location: 11q22.3.
Variant type: single nucleotide variant.
Coding change: c.5529A>G on transcript NM_000051.4 (MANE Select); coding-DNA position 5529, A replaced by G.
Protein change: p.Pro1843=; no amino-acid change (proline 1843 retained).
Molecular consequence: synonymous variant.
Genome position (GRCh38, 1-based): chr11:108,304,707, A>G. VCF-style: chr11-108304707-A-G. GRCh37 (hg19) VCF-style: chr11-108175434-A-G.
Other names: c.5529A>G, p.Pro1843= (NM_001351834.2).
Identifiers: ClinVar variation 233190 (VCV000233190.19), dbSNP rs750037588, ClinGen allele CA10579184.

ClinVar aggregate classification (germline): Benign/Likely benign. Review status: criteria provided, multiple submitters, no conflicts (2 of 4 stars). 4 submissions from 4 submitters: Benign (1); Likely benign (3). Last evaluated 2025-12-19.

Conditions:
Hereditary cancer-predisposing syndrome. Also called: Tumor predisposition; Hereditary Cancer Syndrome; Hereditary neoplastic syndrome; Neoplastic Syndromes, Hereditary. Identifiers: Orphanet 140162, MedGen C0027672, MeSH D009386, MONDO:0015356.
Familial cancer of breast. Also called: hereditary breast carcinoma; BREAST CANCER, FAMILIAL; Hereditary breast cancer. Identifiers: Orphanet 227535, MedGen C0346153, MONDO:0016419, OMIM 114480. Disease mechanism: loss of function.
Ataxia-telangiectasia syndrome (AT). Also called: Ataxia telangiectasia (A-T); LOUIS-BAR SYNDROME; Cerebello-oculocutaneous telangiectasia; Immunodeficiency with ataxia telangiectasia; ATAXIA-TELANGIECTASIA, COMPLEMENTATION GROUP A; ATAXIA-TELANGIECTASIA, FRESNO VARIANT. Identifiers: Orphanet 100, MedGen C0004135, MONDO:0008840, OMIM 208900.

gnomAD v4.1: 2 of 1,613,994 alleles (0.00012%); highest among the groups gnomAD compares: Non-Finnish European, 0.000085%; no homozygotes.

Submissions (4):

Labcorp Genetics (formerly Invitae), Labcorp
Classification: Likely benign for Ataxia-telangiectasia syndrome. Last evaluated: 2025-12-19. Review status: criteria provided, single submitter. Criteria: Invitae Variant Classification Sherloc (09022015). Collection method: clinical testing. Allele origin: germline.

Myriad Genetics, Inc.
Classification: Benign for Familial cancer of breast. Last evaluated: 2024-05-23. Review status: criteria provided, single submitter. Criteria: Myriad Autosomal Dominant, Autosomal Recessive and X-Linked Classification Criteria (2023). Collection method: clinical testing. Allele origin: unknown.
Comment: This variant is considered benign. This variant is a silent/synonymous amino acid change and it is not expected to impact splicing.

Color Diagnostics, LLC DBA Color Health
Classification: Likely benign for Hereditary cancer-predisposing syndrome. Last evaluated: 2020-03-24. Review status: criteria provided, single submitter. Criteria: ACMG Guidelines, 2015. Collection method: clinical testing. Allele origin: germline.

Ambry Genetics
Classification: Likely benign for Hereditary cancer-predisposing syndrome. Last evaluated: 2015-08-05. Review status: criteria provided, single submitter. Criteria: Ambry Variant Classification Scheme 2023. Collection method: clinical testing. Allele origin: germline.